The following is an entry in ClinVar:

NM_003000.3(SDHB):c.689G>T (p.Arg230Leu)

Gene: SDHB (succinate dehydrogenase complex iron sulfur subunit B; minus strand). Cytogenetic location: 1p36.13.
Variant type: single nucleotide variant.
Coding change: c.689G>T on transcript NM_003000.3 (MANE Select); coding-DNA position 689, G replaced by T.
Protein change: p.Arg230Leu; replaces arginine 230 with leucine.
Molecular consequence: missense variant.
Genome position (GRCh38, 1-based): chr1:17,022,684, C>A on the plus strand (G>T on the coding strand, the complement: SDHB is on the minus strand). VCF-style: chr1-17022684-C-A. GRCh37 (hg19) VCF-style: chr1-17349179-C-A.
Other names: short protein forms R230L.
Identifiers: ClinVar variation 184933 (VCV000184933.23), dbSNP rs587782604, ClinGen allele CA016097.
Genomic context (GRCh38, chr1:17,022,684, plus strand): 5'-GTGCAGTTCATGATGGTGTGGCAGCGGTATAGAGAGAATGGGTCCTGCAGCTTGGCCAGG[C>A]GCTCCTCTGTGAAGTCATCTCTGGAGTCAATCATCCAGCGATAGGCCTGGAAAACCAGGG-3'
Protein context (NP_002991.2, residues 220-240): IDSRDDFTEE[Arg230Leu]LAKLQDPFSL

ClinVar aggregate classification (germline): Pathogenic/Likely pathogenic. Review status: criteria provided, multiple submitters, no conflicts (2 of 4 stars). 6 submissions from 6 submitters: Pathogenic (5); Likely pathogenic (1). Last evaluated 2024-11-04.

Conditions:
Pheochromocytoma. Also called: MAX-Related Hereditary Paraganglioma-Pheochromocytoma Syndrome. Identifiers: Orphanet 29072, MedGen C0031511, MONDO:0008233, OMIM 171300, HP:0002666.
Pheochromocytoma/paraganglioma syndrome 4. Also called: CAROTID BODY TUMORS AND MULTIPLE EXTRAADRENAL PHEOCHROMOCYTOMAS; PARAGANGLIOMA, FAMILIAL MALIGNANT; PARAGANGLIOMAS, HEREDITARY EXTRAADRENAL; PHEOCHROMOCYTOMA, FAMILIAL EXTRAADRENAL; SDHB-Related Hereditary Paraganglioma-Pheochromocytoma Syndrome (Paragangliomas 4); SDHB-Related Hereditary Paraganglioma-Pheochromocytoma Syndrome. Identifiers: Orphanet 29072, MedGen C1861848, MONDO:0007273, OMIM 115310.
Gastrointestinal stromal tumor. Also called: Gastrointestinal stromal tumor, somatic; Gastrointestinal stroma tumor. Identifiers: Orphanet 44890, MedGen C0238198, MeSH D046152, MONDO:0011719, OMIM 606764, HP:0100723.
Hereditary cancer-predisposing syndrome. Also called: Hereditary neoplastic syndrome; Tumor predisposition; Neoplastic Syndromes, Hereditary; Hereditary Cancer Syndrome. Identifiers: Orphanet 140162, MedGen C0027672, MeSH D009386, MONDO:0015356.

gnomAD v4.1: 2 of 1,613,892 alleles (0.00012%); highest among the groups gnomAD compares: Non-Finnish European, 0.00017%; no homozygotes.

Submissions (6):

Labcorp Genetics (formerly Invitae), Labcorp
Classification: Pathogenic for Gastrointestinal stromal tumor; Pheochromocytoma/paraganglioma syndrome 4; Pheochromocytoma. Last evaluated: 2024-11-04. Review status: criteria provided, single submitter. Criteria: Invitae Variant Classification Sherloc (09022015). Collection method: clinical testing. Allele origin: germline.
Comment: This sequence change replaces arginine, which is basic and polar, with leucine, which is neutral and non-polar, at codon 230 of the SDHB protein (p.Arg230Leu). This variant is present in population databases (rs587782604, gnomAD 0.0009%). This missense change has been observed in individuals with paraganglioma (PMID: 18382370, 19351833, 23934599, 27539324). ClinVar contains an entry for this variant (Variation ID: 184933). Invitae Evidence Modeling of protein sequence and biophysical properties (such as structural, functional, and spatial information, amino acid conservation, physicochemical variation, residue mobility, and thermodynamic stability) indicates that this missense variant is expected to disrupt SDHB protein function with a positive predictive value of 80%. This variant disrupts the p.Arg230 amino acid residue in SDHB. Other variant(s) that disrupt this residue have been determined to be pathogenic (PMID: 16912137, 20592014, 25405498, 26259135). This suggests that this residue is clinically significant, and that variants that disrupt this residue are likely to be disease-causing. For these reasons, this variant has been classified as Pathogenic.

Ambry Genetics
Classification: Pathogenic for Hereditary cancer-predisposing syndrome. Last evaluated: 2023-07-17. Review status: criteria provided, single submitter. Criteria: Ambry Variant Classification Scheme 2023. Collection method: clinical testing. Allele origin: germline.
Comment: The p.R230L pathogenic mutation (also known as c.689G>T), located in coding exon 7 of the SDHB gene, results from a G to T substitution at nucleotide position 689. The arginine at codon 230 is replaced by leucine, an amino acid with dissimilar properties. This variant has been described in multiple unrelated individuals with extra-adrenal paragangliomas (Neumann HP et al. Cancer Res. 2009 Apr; 69(8):3650-6; Klein RD et al. Diagn. Mol. Pathol. 2008 Jun; 17(2):94-100; Jasperson KW et al. Fam. Cancer. 2013 Aug; Michaowska I et al. Neuroendocrinology. 2015 ; 101(4):321-30; Pandit R et al. Eur. J. Endocrinol. 2016 Oct;175:311-23). Two other alterations at the same codon, p.R230H (c.689G>A) and p.R230C (c.688C>T), have been detected in numerous individuals diagnosed with pheochromocytomas and/or paragangliomas (Gimenez-Roqueplo AP et al. Cancer Res. 2003 Sep 1;63(17):5615-21; Dahia PL et al. PLoS Genet. 2005 Jul;1(1):72-80; Neumann HP et al. Cancer Res. 2009 Apr 15;69(8):3650-6; Sevilla MA et al. Otolaryngol Head Neck Surg. 2009 May;140(5):724-9; Burnichon N et al. J Clin Endocrinol Metab. 2009 Aug;94(8):2817-27; Cerecer-Gil et al. Clin Cancer Res 2010 Aug 15; 16(16):4148-54; Yang C et al. FASEB J. 2012 Nov;26(11):4506-16; Andrews KA et al. J. Med. Genet. 2018 Jun;55:384-394). This amino acid position is highly conserved in available vertebrate species. In addition, this alteration is predicted to be deleterious by in silico analysis. Based on the supporting evidence, this alteration is interpreted as a disease-causing mutation.

GeneDx
Classification: Pathogenic. Last evaluated: 2023-06-07. Review status: criteria provided, single submitter. Criteria: GeneDx Variant Classification Process June 2021. Collection method: clinical testing. Allele origin: germline. Affected: yes.
Comment: In silico analysis supports that this missense variant has a deleterious effect on protein structure/function; Not observed at significant frequency in large population cohorts (gnomAD); Truncating variants in this gene are considered pathogenic by a well-established clinical consortium and/or database; This variant is associated with the following publications: (PMID: 27539324, 25791839, 25371406, 19351833, 23934599, 18382370, 32501622, 30787465, 35668420, 31492822, 32741965, 34906457)

Baylor Genetics
Classification: Likely pathogenic for Gastrointestinal stromal tumor. Last evaluated: 2023-05-02. Review status: criteria provided, single submitter. Criteria: ACMG Guidelines, 2015. Collection method: clinical testing. Allele origin: unknown.

Institute for Clinical Genetics, University Hospital TU Dresden, University Hospital TU Dresden
Classification: Pathogenic. Last evaluated: 2022-07-01. Review status: criteria provided, single submitter. Criteria: ACMG Guidelines, 2015. Collection method: clinical testing. Allele origin: germline.
Comment: PS4, PP3, PM5_STR, PM2_SUP

Juno Genomics, Hangzhou Juno Genomics, Inc
Classification: Pathogenic for Pheochromocytoma/paraganglioma syndrome 4. Review status: criteria provided, single submitter. Criteria: ACMG Guidelines, 2015. Collection method: clinical testing. Allele origin: germline.
Comment: Absent from controls (or at extremely low frequency if recessive) in Genome Aggregation Database.;Multiple lines of computational evidence support a deleterious effect on the gene or gene product.;The prevalence of the variant in affected individuals is significantly increased compared to the prevalence in controls.;Patient's phenotype or family history is highly specific for a disease with a single genetic etiology.;Novel missense change at an amino acid residue where a different missense change determined to be pathogenic has been seen before.

Literature cited by the submitters: PubMed 18382370 (cited by Labcorp Genetics (formerly Invitae), Labcorp and Ambry Genetics); PubMed 19351833 (cited by Labcorp Genetics (formerly Invitae), Labcorp and Ambry Genetics); PubMed 23934599 (cited by Labcorp Genetics (formerly Invitae), Labcorp and Ambry Genetics); PubMed 27539324 (cited by Labcorp Genetics (formerly Invitae), Labcorp and Ambry Genetics); PubMed 16912137 (cited by Labcorp Genetics (formerly Invitae), Labcorp); PubMed 20592014 (cited by Labcorp Genetics (formerly Invitae), Labcorp); PubMed 25405498 (cited by Labcorp Genetics (formerly Invitae), Labcorp); PubMed 26259135 (cited by Labcorp Genetics (formerly Invitae), Labcorp); PubMed 25791839 (cited by Ambry Genetics).